The following is an entry in ClinVar:

ClinVar aggregate classification (germline): Uncertain significance. Review status: criteria provided, multiple submitters, no conflicts (2 of 4 stars). 8 submissions from 6 submitters: Uncertain significance (8). Last evaluated 2025-12-14.

Conditions:
Cardiovascular phenotype. Identifiers: MedGen CN230736.
Hypertrophic cardiomyopathy 2. Also called: TNNT2-Related Familial Hypertrophic Cardiomyopathy. Identifiers: MedGen C1861864, MONDO:0007266, OMIM 115195.
Dilated cardiomyopathy 1D. Identifiers: Orphanet 154, Orphanet 54260, MedGen C1832243, MONDO:0011095, OMIM 601494.
Cardiomyopathy, familial restrictive, 3. Identifiers: Orphanet 75249, MedGen C2676271, MONDO:0012900, OMIM 612422.
Cardiomyopathy (CMYO). Also called: Cardiomyopathies. Identifiers: Orphanet 167848, MedGen C0878544, MONDO:0004994, HP:0001638. Inheritance: Various modes of inheritance.

Allele frequency attached by ClinVar (database versions not stated): gnomAD exomes below 0.00001 and 0.00001; gnomAD 0.00001; ExAC 0.00002; TOPMed 0.00003.
gnomAD v4.1: 2 of 1,613,892 alleles (0.00012%); highest among the groups gnomAD compares: African/African-American, 0.0027%; no homozygotes.

Submissions (8):

Labcorp Genetics (formerly Invitae), Labcorp
Classification: Uncertain significance for Cardiomyopathy, familial restrictive, 3; Hypertrophic cardiomyopathy 2; Dilated cardiomyopathy 1D. Last evaluated: 2025-12-14. Review status: criteria provided, single submitter. Criteria: Invitae Variant Classification Sherloc (09022015). Collection method: clinical testing. Allele origin: germline.
Comment: This sequence change replaces valine, which is neutral and non-polar, with glycine, which is neutral and non-polar, at codon 75 of the TNNT2 protein (p.Val75Gly). This variant is present in population databases (rs730881095, gnomAD 0.01%). This missense change has been observed in individual(s) with clinical features of TNNT2 (PMID: 34935411). ClinVar contains an entry for this variant (Variation ID: 181609). Invitae Evidence Modeling of protein sequence and biophysical properties (such as structural, functional, and spatial information, amino acid conservation, physicochemical variation, residue mobility, and thermodynamic stability) indicates that this missense variant is not expected to disrupt TNNT2 protein function with a negative predictive value of 80%. In summary, the available evidence is currently insufficient to determine the role of this variant in disease. Therefore, it has been classified as a Variant of Uncertain Significance.

Ambry Genetics
Classification: Uncertain significance for Cardiovascular phenotype. Last evaluated: 2025-12-01. Review status: criteria provided, single submitter. Criteria: Ambry Variant Classification Scheme 2023. Collection method: clinical testing. Allele origin: germline.
Comment: The p.V75G variant (also known as c.224T>G), located in coding exon 7 of the TNNT2 gene, results from a T to G substitution at nucleotide position 224. The valine at codon 75 is replaced by glycine, an amino acid with dissimilar properties. This variant was reported in individual(s) with features consistent with TNNT2-related cardiomyopathy (Khan RS et al. J Am Heart Assoc. 2022 Jan;11(1):e022854; Ambry internal data). This amino acid position is not well conserved in available vertebrate species. In addition, the in silico prediction for this alteration is inconclusive. Based on the available evidence, the clinical significance of this variant remains unclear.

GeneDx
Classification: Uncertain significance. Last evaluated: 2025-03-18. Review status: criteria provided, single submitter. Criteria: GeneDx Variant Classification Process June 2021. Collection method: clinical testing. Allele origin: germline. Affected: yes.
Comment: Not observed at significant frequency in large population cohorts (gnomAD); In silico analysis supports that this missense variant has a deleterious effect on protein structure/function; This variant is associated with the following publications: (PMID: 22958901, 34935411)

All of Us Research Program, National Institutes of Health
Classification: Uncertain significance for Cardiomyopathy. Last evaluated: 2024-01-11. Review status: criteria provided, single submitter. Criteria: ACMG Guidelines, 2015. Collection method: clinical testing. Allele origin: germline. Inheritance: Autosomal dominant inheritance. Observed: 3 variant alleles, 3 heterozygotes.
Comment: This missense variant replaces valine with glycine at codon 75 of the TNNT2 protein. Computational prediction is inconclusive regarding the impact of this variant on protein structure and function (internally defined REVEL score threshold 0.5 < inconclusive < 0.7, PMID: 27666373). To our knowledge, functional studies have not been reported for this variant. This variant has been reported in an individual affected with dilated cardiomyopathy (PMID: 34935411). This variant has been identified in 2/251036 chromosomes in the general population by the Genome Aggregation Database (gnomAD). The available evidence is insufficient to determine the role of this variant in disease conclusively. Therefore, this variant is classified as a Variant of Uncertain Significance.

This study involves interpretation of variants in research participants for the purpose of population health screening. Participant phenotype was not available at the time of variant classification. Additional details can be found in publication PMID: 35346344, PMCID: PMC8962531

Genome-Nilou Lab
Classification: Uncertain significance for Dilated cardiomyopathy 1D. Last evaluated: 2023-04-11. Review status: criteria provided, single submitter. Criteria: ACMG Guidelines, 2015. Collection method: clinical testing. Allele origin: germline. Affected: no.

Genome-Nilou Lab
Classification: Uncertain significance for Cardiomyopathy, familial restrictive, 3. Last evaluated: 2023-04-11. Review status: criteria provided, single submitter. Criteria: ACMG Guidelines, 2015. Collection method: clinical testing. Allele origin: germline. Affected: no.

Genome-Nilou Lab
Classification: Uncertain significance for Hypertrophic cardiomyopathy 2. Last evaluated: 2023-04-11. Review status: criteria provided, single submitter. Criteria: ACMG Guidelines, 2015. Collection method: clinical testing. Allele origin: germline. Affected: no.

Women's Health and Genetics/Laboratory Corporation of America, LabCorp
Classification: Uncertain significance. Last evaluated: 2019-12-16. Review status: criteria provided, single submitter. Criteria: LabCorp Variant Classification Summary - May 2015. Collection method: clinical testing. Allele origin: germline.
Comment: Variant summary: TNNT2 c.224T>G (p.Val75Gly) results in a non-conservative amino acid change in the encoded protein sequence. Three of five in-silico tools predict a damaging effect of the variant on protein function. The variant allele was found at a frequency of 8e-06 in 251036 control chromosomes. The available data on variant occurrences in the general population are insufficient to allow any conclusion about variant significance. To our knowledge, no occurrence of c.224T>G in individuals affected with Cardiomyopathy and no experimental evidence demonstrating its impact on protein function have been reported. Two clinical diagnostic laboratories have submitted clinical-significance assessments for this variant to ClinVar after 2014 without evidence for independent evaluation. All laboratories classified the variant as uncertain significance. Based on the evidence outlined above, the variant was classified as uncertain significance.

Literature cited by the submitters: PubMed 34935411 (cited by 3 submitters); PubMed 22958901 (cited by Women's Health and Genetics/Laboratory Corporation of America, LabCorp).

NM_001276345.2(TNNT2):c.254T>G (p.Val85Gly)

Gene: TNNT2 (troponin T2, cardiac type; minus strand). Cytogenetic location: 1q32.1.
Variant type: single nucleotide variant.
Coding change: c.254T>G on transcript NM_001276345.2 (MANE Select); coding-DNA position 254, T replaced by G.
Protein change: p.Val85Gly; replaces valine 85 with glycine.
Molecular consequence: missense variant.
Genome position (GRCh38, 1-based): chr1:201,365,650, A>C on the plus strand (T>G on the coding strand, the complement: TNNT2 is on the minus strand). VCF-style: chr1-201365650-A-C. GRCh37 (hg19) VCF-style: chr1-201334778-A-C.
Other names: p.V75G:GTG>GGG; c.254T>G, p.Val85Gly (NM_000364.4); c.224T>G, p.Val75Gly (NM_001001430.3, NM_001001431.3, NM_001276347.2); c.209T>G, p.Val70Gly (NM_001001432.3); c.251T>G, p.Val84Gly (NM_001276346.2); short protein forms V75G, V85G, V84G, V70G.
Identifiers: ClinVar variation 181609 (VCV000181609.20), dbSNP rs730881095, ClinGen allele CA004142.